The following is an entry in ClinVar:

NM_012208.4(HARS2):c.1421A>G (p.Glu474Gly)

Gene: HARS2 (histidyl-tRNA synthetase 2, mitochondrial; plus strand). Cytogenetic location: 5q31.3.
Variant type: single nucleotide variant.
Coding change: c.1421A>G on transcript NM_012208.4 (MANE Select); coding-DNA position 1421, A replaced by G.
Protein change: p.Glu474Gly; replaces glutamic acid 474 with glycine.
Molecular consequence: missense variant.
Genome position (GRCh38, 1-based): chr5:140,698,038, A>G. VCF-style: chr5-140698038-A-G. GRCh37 (hg19) VCF-style: chr5-140077623-A-G.
Other names: c.1421A>G (NM_012208.3); c.1346A>G, p.Glu449Gly (NM_001278731.2); c.989A>G, p.Glu330Gly (NM_001278732.2); c.1439A>G, p.Glu480Gly (NM_001363535.2); c.1211A>G, p.Glu404Gly (NM_001363536.2); short protein forms E474G, E449G, E480G, E330G, E404G.
Identifiers: ClinVar variation 515183 (VCV000515183.11), dbSNP rs562743285, ClinGen allele CA3444700.
Genomic context (GRCh38, chr5:140,698,038, plus strand): 5'-ACTATTGTGAGAGCACAGGCATTCCACTGGTGGTCATTATTGGTGAGCAAGAACTGAAAG[A>G]AGGGGTCATCAAGATCCGTTCAGTGGCCAGCAGAGAGGAGGTGAGTGGCGGCAGCAGAAA-3'
Protein context (NP_036340.1, residues 464-484): VVIIGEQELK[Glu474Gly]GVIKIRSVAS

ClinVar aggregate classification (germline): Likely benign. Review status: criteria provided, multiple submitters, no conflicts (2 of 4 stars). 3 submissions from 3 submitters: Likely benign (2). 1 of the submissions does not count toward it. Last evaluated 2025-02-16.

Conditions:
HARS2-related disorder. Also called: HARS2-related condition.

Allele frequency attached by ClinVar (database versions not stated): gnomAD 0.00001 and 0.00017; TOPMed 0.00002; gnomAD exomes 0.00030 and 0.00057; ExAC 0.00058; 1000 Genomes Project 0.00120; 1000 Genomes Project 30x 0.00125.
gnomAD v4.1: 460 of 1,614,202 alleles (0.028%); highest among the groups gnomAD compares: South Asian, 0.49%; 4 homozygotes.

Submissions (3):

Labcorp Genetics (formerly Invitae), Labcorp
Classification: Likely benign. Last evaluated: 2025-02-16. Review status: criteria provided, single submitter. Criteria: Invitae Variant Classification Sherloc (09022015). Collection method: clinical testing. Allele origin: germline.

GeneDx
Classification: Likely benign. Last evaluated: 2019-07-19. Review status: criteria provided, single submitter. Criteria: GeneDx Variant Classification Process June 2021. Collection method: clinical testing. Allele origin: germline. Affected: yes.

PreventionGenetics, part of Exact Sciences
Classification: Likely benign for HARS2-related condition. Last evaluated: 2022-12-23. Review status: no assertion criteria provided. Collection method: clinical testing. Allele origin: germline. Not counted in ClinVar's aggregate classification.
Comment: This variant is classified as likely benign based on ACMG/AMP sequence variant interpretation guidelines (Richards et al. 2015 PMID: 25741868, with internal and published modifications).